The following is an entry in ClinVar:

NM_001267550.2(TTN):c.66160+1G>T

Genes: TTN (titin; minus strand), TTN-AS1 (TTN antisense RNA 1; plus strand). Cytogenetic location: 2q31.2.
Variant type: single nucleotide variant.
Coding change: c.66160+1G>T on transcript NM_001267550.2 (MANE Select); the canonical splice donor site of the intron after coding-DNA position 66160, G replaced by T.
Molecular consequence: splice donor variant.
Genome position (GRCh38, 1-based): chr2:178,582,295, C>A on the plus strand (G>T on the coding strand, the complement: TTN is on the minus strand). VCF-style: chr2-178582295-C-A. GRCh37 (hg19) VCF-style: chr2-179447022-C-A.
Other names: c.38965+1G>T (NM_003319.4); c.39541+1G>T (NM_133437.4); c.39340+1G>T (NM_133432.3); c.58456+1G>T (NM_133378.4); c.61237+1G>T (NM_001256850.1).
Identifiers: ClinVar variation 954598 (VCV000954598.10), dbSNP rs2047961752, ClinGen allele CA349429748.

ClinVar aggregate classification (germline): Likely pathogenic (1 of 4 stars; one submission).

Conditions:
Dilated cardiomyopathy 1G (CMD1G). Identifiers: Orphanet 154, MedGen C1858763, MONDO:0011400, OMIM 604145.
Autosomal recessive limb-girdle muscular dystrophy type 2J (LGMDR10). Also called: Limb-girdle muscular dystrophy, type 2J; MUSCULAR DYSTROPHY, LIMB-GIRDLE, AUTOSOMAL RECESSIVE 10. Identifiers: Orphanet 140922, MedGen C1837342, MONDO:0012127, OMIM 608807.

Submission:

Labcorp Genetics (formerly Invitae), Labcorp
Classification: Likely pathogenic for Dilated cardiomyopathy 1G; Autosomal recessive limb-girdle muscular dystrophy type 2J. Last evaluated: 2020-07-13. Review status: criteria provided, single submitter. Criteria: Invitae Variant Classification Sherloc (09022015). Collection method: clinical testing. Allele origin: germline.
Comment: In summary, the currently available evidence indicates that the variant is pathogenic, but additional data are needed to prove that conclusively. Therefore, this variant has been classified as Likely Pathogenic. This variant is located in the A band of TTN (PMID: 25589632). Truncating variants in this region are significantly overrepresented in patients affected with dilated cardiomyopathy (PMID: 25589632). Truncating variants in this region have also been reported in individuals affected with autosomal recessive centronuclear myopathy (PMID: 23975875). Algorithms developed to predict the effect of sequence changes on RNA splicing suggest that this variant may disrupt the consensus splice site, but this prediction has not been confirmed by published transcriptional studies. This variant has not been reported in the literature in individuals with TTN-related conditions. This variant is not present in population databases (ExAC no frequency). This sequence change affects a donor splice site in intron 314 of the TTN gene. It is expected to disrupt RNA splicing and likely results in an absent or disrupted protein product.

Literature cited by the submitters: PubMed 25589632; PubMed 23975875.